The following is an entry in ClinVar:

ClinVar aggregate classification (germline): Uncertain significance (1 of 4 stars; one submission).

Allele frequency attached by ClinVar (database versions not stated): gnomAD exomes below 0.00001; TOPMed below 0.00001.

Submission:

Labcorp Genetics (formerly Invitae), Labcorp
Classification: Uncertain significance. Last evaluated: 2022-08-03. Review status: criteria provided, single submitter. Criteria: Invitae Variant Classification Sherloc (09022015). Collection method: clinical testing. Allele origin: germline.
Comment: This sequence change replaces asparagine, which is neutral and polar, with serine, which is neutral and polar, at codon 202 of the PHYH protein (p.Asn202Ser). This variant is not present in population databases (gnomAD no frequency). This variant has not been reported in the literature in individuals affected with PHYH-related conditions. Algorithms developed to predict the effect of missense changes on protein structure and function output the following: SIFT: "Tolerated"; PolyPhen-2: "Benign"; Align-GVGD: "Class C0". The serine amino acid residue is found in multiple mammalian species, which suggests that this missense change does not adversely affect protein function. In summary, the available evidence is currently insufficient to determine the role of this variant in disease. Therefore, it has been classified as a Variant of Uncertain Significance.

NM_006214.4(PHYH):c.605A>G (p.Asn202Ser)

Gene: PHYH (phytanoyl-CoA 2-hydroxylase; minus strand). Cytogenetic location: 10p13.
Variant type: single nucleotide variant.
Coding change: c.605A>G on transcript NM_006214.4 (MANE Select); coding-DNA position 605, A replaced by G.
Protein change: p.Asn202Ser; replaces asparagine 202 with serine.
Molecular consequence: missense variant. On other transcripts: intron variant (1).
Genome position (GRCh38, 1-based): chr10:13,288,433, T>C on the plus strand (A>G on the coding strand, the complement: PHYH is on the minus strand). VCF-style: chr10-13288433-T-C. GRCh37 (hg19) VCF-style: chr10-13330433-T-C.
Other names: c.305A>G, p.Asn102Ser (NM_001037537.2, NM_001323080.2); c.611A>G, p.Asn204Ser (NM_001323082.2); c.311A>G, p.Asn104Ser (NM_001323084.2); c.415-4594A>G (NM_001323083.2); short protein forms N102S, N202S, N104S, N204S.
Identifiers: ClinVar variation 2188062 (VCV002188062.1), dbSNP rs1835611593, ClinGen allele CA376035407.